The following is an entry in ClinVar:

ClinVar aggregate classification (germline): Uncertain significance (1 of 4 stars; one submission).

Conditions:
Cardiovascular phenotype. Identifiers: MedGen CN230736.

gnomAD v4.1: 3 of 1,613,608 alleles (0.00019%); highest among the groups gnomAD compares: East Asian, 0.0067%; no homozygotes.

Submission:

Ambry Genetics
Classification: Uncertain significance for Cardiovascular phenotype. Last evaluated: 2026-07-19. Review status: criteria provided, single submitter. Criteria: Ambry Variant Classification Scheme 2023. Collection method: clinical testing. Allele origin: germline.
Comment: The p.D1613N variant (also known as c.4837G>A), located in coding exon 12 of the TNXB gene, results from a G to A substitution at nucleotide position 4837. The aspartic acid at codon 1613 is replaced by asparagine, an amino acid with highly similar properties. This amino acid position is conserved. In addition, this alteration is predicted to be tolerated by in silico analysis. Based on the available evidence, the clinical significance of this variant remains unclear.

NM_001365276.2(TNXB):c.4837G>A (p.Asp1613Asn)

Gene: TNXB (tenascin XB; minus strand). Cytogenetic location: 6p21.33.
Variant type: single nucleotide variant.
Coding change: c.4837G>A on transcript NM_001365276.2 (MANE Select); coding-DNA position 4837, G replaced by A.
Protein change: p.Asp1613Asn; replaces aspartic acid 1613 with asparagine.
Molecular consequence: missense variant.
Genome position (GRCh38, 1-based): chr6:32,072,143, C>T on the plus strand (G>A on the coding strand, the complement: TNXB is on the minus strand). VCF-style: chr6-32072143-C-T. GRCh37 (hg19) VCF-style: chr6-32039920-C-T.
Other names: c.5578G>A, p.Asp1860Asn (NM_001428335.1); c.4837G>A, p.Asp1613Asn (NM_019105.8); short protein forms D1613N, D1860N.
Identifiers: ClinVar variation 5031024 (VCV005031024.1).